The following is an entry in ClinVar:

NM_014314.4(RIGI):c.2497G>A (p.Val833Met)

Gene: RIGI (RNA sensor RIG-I; minus strand). Cytogenetic location: 9p21.1.
Variant type: single nucleotide variant.
Coding change: c.2497G>A on transcript NM_014314.4 (MANE Select); coding-DNA position 2497, G replaced by A.
Protein change: p.Val833Met; replaces valine 833 with methionine.
Molecular consequence: missense variant.
Genome position (GRCh38, 1-based): chr9:32,457,403, C>T on the plus strand (G>A on the coding strand, the complement: RIGI is on the minus strand). VCF-style: chr9-32457403-C-T. GRCh37 (hg19) VCF-style: chr9-32457401-C-T.
Other names: c.2491G>A, p.Val831Met (NM_001385907.1); c.2326G>A, p.Val776Met (NM_001385909.1); c.2056G>A, p.Val686Met (NM_001385910.1); c.1888G>A, p.Val630Met (NM_001385912.1); c.2482G>A, p.Val828Met (NM_001385913.1); c.2053G>A, p.Val685Met (NM_001385914.1); short protein forms V630M, V685M, V828M, V831M, V686M, V776M, V833M.
Identifiers: ClinVar variation 2853498 (VCV002853498.3), dbSNP rs2489277627, ClinGen allele CA373142625.

ClinVar aggregate classification (germline): Uncertain significance (1 of 4 stars; one submission).

Submission:

Labcorp Genetics (formerly Invitae), Labcorp
Classification: Uncertain significance. Last evaluated: 2023-04-07. Review status: criteria provided, single submitter. Criteria: Invitae Variant Classification Sherloc (09022015). Collection method: clinical testing. Allele origin: germline.
Comment: In summary, the available evidence is currently insufficient to determine the role of this variant in disease. Therefore, it has been classified as a Variant of Uncertain Significance. Advanced modeling of protein sequence and biophysical properties (such as structural, functional, and spatial information, amino acid conservation, physicochemical variation, residue mobility, and thermodynamic stability) performed at Invitae indicates that this missense variant is expected to disrupt DDX58 protein function. This variant has not been reported in the literature in individuals affected with DDX58-related conditions. This variant is not present in population databases (gnomAD no frequency). This sequence change replaces valine, which is neutral and non-polar, with methionine, which is neutral and non-polar, at codon 833 of the DDX58 protein (p.Val833Met).